The following is an entry in ClinVar:

NM_032043.3(BRIP1):c.370A>C (p.Thr124Pro)

Gene: BRIP1 (BRCA1 interacting DNA helicase 1; minus strand). Cytogenetic location: 17q23.2.
Variant type: single nucleotide variant.
Coding change: c.370A>C on transcript NM_032043.3 (MANE Select); coding-DNA position 370, A replaced by C.
Protein change: p.Thr124Pro; replaces threonine 124 with proline.
Molecular consequence: missense variant.
Genome position (GRCh38, 1-based): chr17:61,857,067, T>G on the plus strand (A>C on the coding strand, the complement: BRIP1 is on the minus strand). VCF-style: chr17-61857067-T-G. GRCh37 (hg19) VCF-style: chr17-59934428-T-G.
Other names: short protein forms T124P.
Identifiers: ClinVar variation 185764 (VCV000185764.20), dbSNP rs45617634, ClinGen allele CA192862.

ClinVar aggregate classification (germline): Conflicting classifications of pathogenicity. Review status: criteria provided, conflicting classifications (1 of 4 stars). 4 submissions from 4 submitters: Uncertain significance (3); Likely benign (1). Last evaluated 2024-11-02.

Conditions:
Familial cancer of breast. Also called: BREAST CANCER, FAMILIAL; Hereditary breast cancer; hereditary breast carcinoma. Identifiers: Orphanet 227535, MedGen C0346153, MONDO:0016419, OMIM 114480. Disease mechanism: loss of function.
Fanconi anemia complementation group J. Also called: BRIP1-Related Fanconi Anemia. Identifiers: Orphanet 84, MedGen C1836860, MONDO:0012187, OMIM 609054.
Hereditary cancer-predisposing syndrome. Also called: Hereditary Cancer Syndrome; Neoplastic Syndromes, Hereditary; Tumor predisposition; Hereditary neoplastic syndrome. Identifiers: Orphanet 140162, MedGen C0027672, MeSH D009386, MONDO:0015356.

Allele frequency attached by ClinVar (database versions not stated): TOPMed 0.00002.
gnomAD v4.1: 4 of 1,613,928 alleles (0.00025%); highest among the groups gnomAD compares: African/African-American, 0.004%; no homozygotes.

Submissions (4):

Labcorp Genetics (formerly Invitae), Labcorp
Classification: Uncertain significance for Familial cancer of breast; Fanconi anemia complementation group J. Last evaluated: 2024-11-02. Review status: criteria provided, single submitter. Criteria: Invitae Variant Classification Sherloc (09022015). Collection method: clinical testing. Allele origin: germline.
Comment: This sequence change replaces threonine, which is neutral and polar, with proline, which is neutral and non-polar, at codon 124 of the BRIP1 protein (p.Thr124Pro). The frequency data for this variant in the population databases is considered unreliable, as metrics indicate poor data quality at this position in the gnomAD database. This missense change has been observed in individual(s) with breast and/or ovarian cancer (PMID: 32068069). ClinVar contains an entry for this variant (Variation ID: 185764). Invitae Evidence Modeling of protein sequence and biophysical properties (such as structural, functional, and spatial information, amino acid conservation, physicochemical variation, residue mobility, and thermodynamic stability) indicates that this missense variant is not expected to disrupt BRIP1 protein function with a negative predictive value of 95%. In summary, the available evidence is currently insufficient to determine the role of this variant in disease. Therefore, it has been classified as a Variant of Uncertain Significance.

Ambry Genetics
Classification: Likely benign for Hereditary cancer-predisposing syndrome. Last evaluated: 2024-01-25. Review status: criteria provided, single submitter. Criteria: Ambry Variant Classification Scheme 2023. Collection method: clinical testing. Allele origin: germline.

Women's Health and Genetics/Laboratory Corporation of America, LabCorp
Classification: Uncertain significance. Last evaluated: 2022-10-21. Review status: criteria provided, single submitter. Criteria: LabCorp Variant Classification Summary - May 2015. Collection method: clinical testing. Allele origin: germline.
Comment: Variant summary: BRIP1 c.370A>C (p.Thr124Pro) results in a non-conservative amino acid change located in the Helicase-like, DEXD box c2 type domain (IPR006554) of the encoded protein sequence. Four of five in-silico tools predict a benign effect of the variant on protein function. The variant allele was found at a frequency of 1.4e-05 in 282800 control chromosomes (gnomAD). The available data on variant occurrences in the general population are insufficient to allow any conclusion about variant significance. c.370A>C has been reported in the literature in individuals affected with Breast/Ovarian cancer (e.g. Kwong_2020, Dorling_2021). These reports do not provide unequivocal conclusions about association of the variant with Hereditary Breast And Ovarian Cancer Syndrome. To our knowledge, no experimental evidence demonstrating an impact on protein function has been reported. Three ClinVar submitters have assessed the variant since 2014: all three classified the variant as uncertain significance. Based on the evidence outlined above, the variant was classified as uncertain significance.

Color Diagnostics, LLC DBA Color Health
Classification: Uncertain significance for Hereditary cancer-predisposing syndrome. Last evaluated: 2019-02-20. Review status: criteria provided, single submitter. Criteria: ACMG Guidelines, 2015. Collection method: clinical testing. Allele origin: germline.

Literature cited by the submitters: PubMed 32068069 (cited by Labcorp Genetics (formerly Invitae), Labcorp and Women's Health and Genetics/Laboratory Corporation of America, LabCorp); PubMed 33471991 (cited by Women's Health and Genetics/Laboratory Corporation of America, LabCorp).